The following is an entry in ClinVar:

ClinVar aggregate classification (germline): Uncertain significance (1 of 4 stars; one submission).

Conditions:
Familial thoracic aortic aneurysm and aortic dissection (TAAD). Also called: Thoracic aortic aneurysms and dissections. Identifiers: Orphanet 91387, MedGen C4707243, MONDO:0019625.

Submission:

Color Diagnostics, LLC DBA Color Health
Classification: Uncertain significance for Familial thoracic aortic aneurysm and aortic dissection. Last evaluated: 2024-03-19. Review status: criteria provided, single submitter. Criteria: ACMG Guidelines, 2015. Collection method: clinical testing. Allele origin: germline.
Comment: This missense variant replaces threonine with isoleucine at codon 96 of the TGFBR2 protein. Computational prediction tools indicate that this variant has a deleterious impact on protein structure and function. To our knowledge, functional studies have not been reported for this variant. This variant has been reported in one individual affected with Marfan syndrome (PMID: 18781618). This variant has not been identified in the general population by the Genome Aggregation Database (gnomAD). The available evidence is insufficient to determine the role of this variant in disease conclusively. Therefore, this variant is classified as a Variant of Uncertain Significance.

Literature cited by the submitters: PubMed 18781618.

NM_003242.6(TGFBR2):c.287C>T (p.Thr96Ile)

Gene: TGFBR2 (transforming growth factor beta receptor 2; plus strand). Cytogenetic location: 3p24.1.
Variant type: single nucleotide variant.
Coding change: c.287C>T on transcript NM_003242.6 (MANE Select); coding-DNA position 287, C replaced by T.
Protein change: p.Thr96Ile; replaces threonine 96 with isoleucine.
Molecular consequence: missense variant. On other transcripts: intron variant (2).
Genome position (GRCh38, 1-based): chr3:30,650,293, C>T. VCF-style: chr3-30650293-C-T. GRCh37 (hg19) VCF-style: chr3-30691785-C-T.
Other names: c.362C>T, p.Thr121Ile (NM_001024847.3, NM_001407126.1, NM_001407139.1); c.287C>T, p.Thr96Ile (NM_001407127.1, NM_001407130.1); c.314C>T, p.Thr105Ile (NM_001407128.1); c.182C>T, p.Thr61Ile (NM_001407129.1, NM_001407132.1, NM_001407133.1 and 3 more transcripts); c.170-21345C>T (NM_001407137.1); c.95-21345C>T (NM_001407138.1); short protein forms T105I, T121I, T61I, T96I.
Identifiers: ClinVar variation 3894444 (VCV003894444.1).
Genomic context (GRCh38, chr3:30,650,293, plus strand): 5'-CCTCTCCCCTCGCTTCCAATGAATCTCTTCACTCTAGGAGAAAGAATGACGAGAACATAA[C>T]ACTAGAGACAGTTTGCCATGACCCCAAGCTCCCCTACCATGACTTTATTCTGGAAGATGC-3'
Protein context (NP_003233.4, residues 86-106): AVWRKNDENI[Thr96Ile]LETVCHDPKL